The following is an entry in ClinVar:

NM_001330078.2(NRXN1):c.2354T>C (p.Ile785Thr)

Gene: NRXN1 (neurexin 1; minus strand). Cytogenetic location: 2p16.3.
Variant type: single nucleotide variant.
Coding change: c.2354T>C on transcript NM_001330078.2 (MANE Select); coding-DNA position 2354, T replaced by C.
Protein change: p.Ile785Thr; replaces isoleucine 785 with threonine.
Molecular consequence: missense variant. On other transcripts: intron variant (7).
Genome position (GRCh38, 1-based): chr2:50,528,645, A>G on the plus strand (T>C on the coding strand, the complement: NRXN1 is on the minus strand). VCF-style: chr2-50528645-A-G. GRCh37 (hg19) VCF-style: chr2-50755783-A-G.
Other names: c.2474T>C, p.Ile825Thr (NM_001135659.3); c.2330T>C, p.Ile777Thr (NM_001330077.2, NM_001330082.2); c.2354T>C, p.Ile785Thr (NM_001330086.2, NM_004801.6); c.2351T>C, p.Ile784Thr (NM_001330093.2); c.2342T>C, p.Ile781Thr (NM_001330094.2); c.2263+2582T>C (NM_001330096.2, NM_001330087.2); c.2308+2582T>C (NM_001330083.2, NM_001330084.2); c.2293+2582T>C (NM_001330088.2); and 2 more; short protein forms I781T, I784T, I825T, I777T, I785T.
Identifiers: ClinVar variation 4731356 (VCV004731356.1).

ClinVar aggregate classification (germline): Uncertain significance (1 of 4 stars; one submission).

Conditions:
Pitt-Hopkins-like syndrome 2 (PTHSL2). Identifiers: Orphanet 221150, Orphanet 600663, MedGen C3280479, MONDO:0013690, OMIM 614325.

Submission:

Labcorp Genetics (formerly Invitae), Labcorp
Classification: Uncertain significance for Pitt-Hopkins-like syndrome 2. Last evaluated: 2025-11-17. Review status: criteria provided, single submitter. Criteria: Invitae Variant Classification Sherloc (09022015). Collection method: clinical testing. Allele origin: germline.
Comment: This sequence change replaces isoleucine, which is neutral and non-polar, with threonine, which is neutral and polar, at codon 825 of the NRXN1 protein (p.Ile825Thr). This variant is not present in population databases (gnomAD no frequency). This variant has not been reported in the literature in individuals affected with NRXN1-related conditions. An algorithm developed to predict the effect of missense changes on protein structure and function (PolyPhen-2) suggests that this variant is likely to be disruptive. In summary, the available evidence is currently insufficient to determine the role of this variant in disease. Therefore, it has been classified as a Variant of Uncertain Significance.